The following is an entry in ClinVar:

ClinVar aggregate classification (germline): Uncertain significance (1 of 4 stars; one submission).

Submission:

Labcorp Genetics (formerly Invitae), Labcorp
Classification: Uncertain significance. Last evaluated: 2025-01-30. Review status: criteria provided, single submitter. Criteria: Invitae Variant Classification Sherloc (09022015). Collection method: clinical testing. Allele origin: germline.
Comment: This sequence change replaces arginine, which is basic and polar, with cysteine, which is neutral and slightly polar, at codon 3219 of the HUWE1 protein (p.Arg3219Cys). This variant is not present in population databases (gnomAD no frequency). This variant has not been reported in the literature in individuals affected with HUWE1-related conditions. Invitae Evidence Modeling of protein sequence and biophysical properties (such as structural, functional, and spatial information, amino acid conservation, physicochemical variation, residue mobility, and thermodynamic stability) indicates that this missense variant is expected to disrupt HUWE1 protein function with a positive predictive value of 95%. In summary, the available evidence is currently insufficient to determine the role of this variant in disease. Therefore, it has been classified as a Variant of Uncertain Significance.

NM_031407.7(HUWE1):c.9655C>T (p.Arg3219Cys)

Gene: HUWE1 (HECT, UBA and WWE domain containing E3 ubiquitin protein ligase 1; minus strand). Cytogenetic location: Xp11.22.
Variant type: single nucleotide variant.
Coding change: c.9655C>T on transcript NM_031407.7 (MANE Select); coding-DNA position 9655, C replaced by T.
Protein change: p.Arg3219Cys; replaces arginine 3219 with cysteine.
Molecular consequence: missense variant.
Genome position (GRCh38, 1-based): chrX:53,549,339, G>A on the plus strand (C>T on the coding strand, the complement: HUWE1 is on the minus strand). VCF-style: chrX-53549339-G-A. GRCh37 (hg19) VCF-style: chrX-53576300-G-A.
Other names: short protein forms R3219C.
Identifiers: ClinVar variation 3724238 (VCV003724238.2).